The following is an entry in ClinVar:

NM_201384.3(PLEC):c.7425+16C>T

Gene: PLEC (plectin; minus strand). Cytogenetic location: 8q24.3.
Variant type: single nucleotide variant.
Coding change: c.7425+16C>T on transcript NM_201384.3 (MANE Select); 16 bases into the intron after coding-DNA position 7425, C replaced by T.
Molecular consequence: intron variant.
Genome position (GRCh38, 1-based): chr8:143,922,488, G>A on the plus strand (C>T on the coding strand, the complement: PLEC is on the minus strand). VCF-style: chr8-143922488-G-A. GRCh37 (hg19) VCF-style: chr8-144996656-G-A.
Other names: c.7506+16C>T (NM_000445.5); c.7383+16C>T (NM_201378.4); c.7359+16C>T (NM_201379.3); c.7836+16C>T (NM_201380.4); c.7329+16C>T (NM_201381.3); c.7425+16C>T (NM_201382.4); c.7437+16C>T (NM_201383.3).
Identifiers: ClinVar variation 513921 (VCV000513921.10), dbSNP rs138961280, ClinGen allele CA4925651.
Genomic context (GRCh38, chr8:143,922,488, plus strand): 5'-CAGCCCAGGAGCACCCATCACCCACCAAAGCAGATCCCCGGGCCCACCCGCCCGTCGCAC[G>A]TAGAGGGGGCGGTACCTCCTCAGACTTGAGCTGCAGCAGTTTGGCCTCCTGTTGGAGCTT-3'

ClinVar aggregate classification (germline): Benign/Likely benign. Review status: criteria provided, multiple submitters, no conflicts (2 of 4 stars). 3 submissions from 3 submitters: Benign (1); Likely benign (2). Last evaluated 2026-01-14.

Conditions:
Epidermolysis bullosa simplex, Ogna type (EBS5A). Also called: Pidermolysis bullosa simplex 5A, Ogna type; EPIDERMOLYSIS BULLOSA SIMPLEX 5A, OGNA TYPE. Identifiers: Orphanet 79401, MedGen C0432317, MONDO:0007555, OMIM 131950.
Epidermolysis bullosa simplex with nail dystrophy (EBS5D). Identifiers: MedGen C4225309, MONDO:0014661, OMIM 616487.
Epidermolysis bullosa simplex 5B, with muscular dystrophy (EBS5B). Also called: EPIDERMOLYSIS BULLOSA SIMPLEX AND LIMB-GIRDLE MUSCULAR DYSTROPHY; Epidermolysis bullosa simplex with muscular dystrophy. Identifiers: Orphanet 257, MedGen C2931072, MONDO:0009181, OMIM 226670.
Epidermolysis bullosa simplex 5C, with pyloric atresia (EBS5C). Also called: PLEC1-Related Epidermolysis Bullosa with Pyloric Atresia; Epidermolysis bullosa simplex with pyloric atresia; PLEC-Related Epidermolysis Bullosa with Pyloric Atresia. Identifiers: Orphanet 158684, MedGen C2677349, MONDO:0012807, OMIM 612138.
Autosomal recessive limb-girdle muscular dystrophy type 2Q (LGMDR17). Also called: MUSCULAR DYSTROPHY, LIMB-GIRDLE, AUTOSOMAL RECESSIVE 17. Identifiers: Orphanet 254361, MedGen C3150989, MONDO:0013390, OMIM 613723.

Allele frequency attached by ClinVar (database versions not stated): gnomAD exomes 0.00015 and 0.00040; ExAC 0.00047; gnomAD 0.00142 and 0.00149; TOPMed 0.00167; 1000 Genomes Project 30x 0.00172; 1000 Genomes Project 0.00180; ESP Exome Variant Server 0.00186.
gnomAD v4.1: 444 of 1,605,746 alleles (0.028%); highest among the groups gnomAD compares: African/African-American, 0.47%; 3 homozygotes.

Submissions (3):

Labcorp Genetics (formerly Invitae), Labcorp
Classification: Benign for Autosomal recessive limb-girdle muscular dystrophy type 2Q; Epidermolysis bullosa simplex, Ogna type; Epidermolysis bullosa simplex with nail dystrophy; Epidermolysis bullosa simplex 5C, with pyloric atresia; Epidermolysis bullosa simplex 5B, with muscular dystrophy. Last evaluated: 2026-01-14. Review status: criteria provided, single submitter. Criteria: Invitae Variant Classification Sherloc (09022015). Collection method: clinical testing. Allele origin: germline.

Blueprint Genetics
Classification: Likely benign. Last evaluated: 2024-07-06. Review status: criteria provided, single submitter. Criteria: ACMG Guidelines, 2015. Collection method: clinical testing. Allele origin: germline.

GeneDx
Classification: Likely benign. Last evaluated: 2017-12-12. Review status: criteria provided, single submitter. Criteria: GeneDx Variant Classification (06012015). Collection method: clinical testing. Allele origin: germline. Affected: yes.
Comment: This variant is considered likely benign or benign based on one or more of the following criteria: it is a conservative change, it occurs at a poorly conserved position in the protein, it is predicted to be benign by multiple in silico algorithms, and/or has population frequency not consistent with disease.